The following is an entry in ClinVar:

NM_007129.5(ZIC2):c.1454C>T (p.Ala485Val)

Gene: ZIC2 (Zic family zinc finger 2; plus strand). Cytogenetic location: 13q32.3.
Variant type: single nucleotide variant.
Coding change: c.1454C>T on transcript NM_007129.5 (MANE Select); coding-DNA position 1454, C replaced by T.
Protein change: p.Ala485Val; replaces alanine 485 with valine.
Molecular consequence: missense variant.
Genome position (GRCh38, 1-based): chr13:99,985,537, C>T. VCF-style: chr13-99985537-C-T. GRCh37 (hg19) VCF-style: chr13-100637791-C-T.
Other names: short protein forms A485V.
Identifiers: ClinVar variation 1353401 (VCV001353401.9), dbSNP rs1355270815, ClinGen allele CA388639595.

ClinVar aggregate classification (germline): Uncertain significance (1 of 4 stars; one submission).

Conditions:
Holoprosencephaly 5 (HPE5). Identifiers: Orphanet 2162, MedGen C1864827, MONDO:0012322, OMIM 609637.

Allele frequency attached by ClinVar (database versions not stated): TOPMed 0.00011; gnomAD 0.00013 and 0.00014.
gnomAD v4.1: 20 of 1,001,192 alleles (0.002%); highest among the groups gnomAD compares: Admixed American, 0.12%; no homozygotes.

Submission:

Labcorp Genetics (formerly Invitae), Labcorp
Classification: Uncertain significance for Holoprosencephaly 5. Last evaluated: 2024-03-11. Review status: criteria provided, single submitter. Criteria: Invitae Variant Classification Sherloc (09022015). Collection method: clinical testing. Allele origin: germline.
Comment: This sequence change replaces alanine, which is neutral and non-polar, with valine, which is neutral and non-polar, at codon 485 of the ZIC2 protein (p.Ala485Val). The frequency data for this variant in the population databases is considered unreliable, as metrics indicate insufficient coverage at this position in the gnomAD database. This variant has not been reported in the literature in individuals affected with ZIC2-related conditions. ClinVar contains an entry for this variant (Variation ID: 1353401). Experimental studies and prediction algorithms are not available or were not evaluated, and the functional significance of this variant is currently unknown. In summary, the available evidence is currently insufficient to determine the role of this variant in disease. Therefore, it has been classified as a Variant of Uncertain Significance.